The following is an entry in ClinVar:

NM_015450.3(POT1):c.870-3T>G

Gene: POT1 (protection of telomeres 1; minus strand). Cytogenetic location: 7q31.33.
Variant type: single nucleotide variant.
Coding change: c.870-3T>G on transcript NM_015450.3 (MANE Select); 3 bases into the intron before coding-DNA position 870, T replaced by G.
Molecular consequence: intron variant.
Genome position (GRCh38, 1-based): chr7:124,851,954, A>C on the plus strand (T>G on the coding strand, the complement: POT1 is on the minus strand). VCF-style: chr7-124851954-A-C. GRCh37 (hg19) VCF-style: chr7-124492008-A-C.
Other names: c.477-3T>G (NM_001042594.2).
Identifiers: ClinVar variation 2135292 (VCV002135292.4), dbSNP rs1291756890, ClinGen allele CA2580076435.

ClinVar aggregate classification (germline): Uncertain significance (1 of 4 stars; one submission).

Conditions:
Tumor predisposition syndrome 3 (TPDS3). Also called: Melanoma, cutaneous malignant, susceptibility to, 10; Glioma susceptibility 9; LONG TELOMERE SYNDROME, POT1-RELATED; POT1 Tumor Predisposition. Identifiers: Orphanet 618, MedGen C4014476, MONDO:0014368, OMIM 615848.

Submission:

Labcorp Genetics (formerly Invitae), Labcorp
Classification: Uncertain significance for Tumor predisposition syndrome 3. Last evaluated: 2022-08-08. Review status: criteria provided, single submitter. Criteria: Invitae Variant Classification Sherloc (09022015). Collection method: clinical testing. Allele origin: germline.
Comment: This sequence change falls in intron 10 of the POT1 gene. It does not directly change the encoded amino acid sequence of the POT1 protein. It affects a nucleotide within the consensus splice site. This variant is not present in population databases (gnomAD no frequency). This variant has not been reported in the literature in individuals affected with POT1-related conditions. Variants that disrupt the consensus splice site are a relatively common cause of aberrant splicing (PMID: 17576681, 9536098). Algorithms developed to predict the effect of sequence changes on RNA splicing suggest that this variant may disrupt the consensus splice site. In summary, the available evidence is currently insufficient to determine the role of this variant in disease. Therefore, it has been classified as a Variant of Uncertain Significance.

Literature cited by the submitters: PubMed 17576681; PubMed 9536098.